The following is an entry in ClinVar:

ClinVar aggregate classification (germline): Uncertain significance (1 of 4 stars; one submission).

Conditions:
ARID1B-Related Disorder. Identifiers: MedGen CN381337.

Allele frequency attached by ClinVar (database versions not stated): TOPMed below 0.00001.

Submission:

PreventionGenetics, part of Exact Sciences
Classification: Uncertain significance for ARID1B-related condition. Last evaluated: 2023-01-30. Review status: criteria provided, single submitter. Criteria: ACMG Guidelines, 2015. Collection method: clinical testing. Allele origin: germline.
Comment: The ARID1B c.737G>C variant is predicted to result in the amino acid substitution p.Gly246Ala. To our knowledge, this variant has not been reported in the literature or in a large population database, indicating this variant is rare. At this time, the clinical significance of this variant is uncertain due to the absence of conclusive functional and genetic evidence.

NM_001374828.1(ARID1B):c.986G>C (p.Gly329Ala)

Gene: ARID1B (AT-rich interaction domain 1B; plus strand). Cytogenetic location: 6q25.3.
Variant type: single nucleotide variant.
Coding change: c.986G>C on transcript NM_001374828.1 (MANE Select); coding-DNA position 986, G replaced by C.
Protein change: p.Gly329Ala; replaces glycine 329 with alanine.
Molecular consequence: missense variant.
Genome position (GRCh38, 1-based): chr6:156,778,666, G>C. VCF-style: chr6-156778666-G-C. GRCh37 (hg19) VCF-style: chr6-157099800-G-C.
Other names: c.737G>C, p.Gly246Ala (NM_001346813.1, NM_020732.3); c.986G>C, p.Gly329Ala (NM_001371656.1, NM_001374820.1, NM_017519.3); c.563G>C, p.Gly188Ala (NM_175863.2); short protein forms G188A, G246A, G329A.
Identifiers: ClinVar variation 2628883 (VCV002628883.1), dbSNP rs1778881397, ClinGen allele CA366382693.